The following is an entry in ClinVar:

ClinVar aggregate classification (germline): Pathogenic (1 of 4 stars; one submission).

Conditions:
Sandhoff disease. Also called: GM2-GANGLIOSIDOSIS, TYPE II; HEXOSAMINIDASES A AND B DEFICIENCY; Beta-hexosaminidase-beta-subunit deficiency; GM2 gangliosidosis, type 2; Total hexosaminidase deficiency; Sandhoff-Jatzkewitz-Pilz disease. Identifiers: Orphanet 796, MedGen C0036161, MONDO:0010006, OMIM 268800.

Submission:

Labcorp Genetics (formerly Invitae), Labcorp
Classification: Pathogenic for Sandhoff disease. Last evaluated: 2023-05-13. Review status: criteria provided, single submitter. Criteria: Invitae Variant Classification Sherloc (09022015). Collection method: clinical testing. Allele origin: germline.
Comment: This sequence change creates a premature translational stop signal (p.Leu480Thrfs*19) in the HEXB gene. It is expected to result in an absent or disrupted protein product. Loss-of-function variants in HEXB are known to be pathogenic (PMID: 7550345, 18758829). This variant is not present in population databases (gnomAD no frequency). This variant has not been reported in the literature in individuals affected with HEXB-related conditions. ClinVar contains an entry for this variant (Variation ID: 2119338). For these reasons, this variant has been classified as Pathogenic.

Literature cited by the submitters: PubMed 7550345; PubMed 18758829.

NM_000521.4(HEXB):c.1434_1437dup (p.Leu480fs)

Gene: HEXB (hexosaminidase subunit beta; plus strand). Cytogenetic location: 5q13.3.
Variant type: Duplication.
Coding change: c.1434_1437dup on transcript NM_000521.4 (MANE Select); coding-DNA positions 1434 to 1437, 4 bases duplicated (ACAA; older notation c.1434_1437dupACAA).
Protein change: p.Leu480fs; shifts the reading frame from leucine 480.
Molecular consequence: frameshift variant.
Genome position (GRCh38, 1-based): chr5:74,720,444-74,720,447, ACAA duplicated; duplicating any 4 consecutive bases within chr5:74,720,442-74,720,447 gives the same sequence; the c. name uses the placement nearest the transcript's 3' end. VCF-style (leftmost placement, unchanged base first): chr5-74720441-G-GAAAC. GRCh37 (hg19) VCF-style: chr5-74016266-G-GAAAC.
Other names: c.759_762dup, p.Leu255fs (NM_001292004.2); short protein forms L480fs, L255fs.
Identifiers: ClinVar variation 2119338 (VCV002119338.4), dbSNP rs2478771894, ClinGen allele CA2580073402.